The following is an entry in ClinVar:

ClinVar aggregate classification (germline): Conflicting classifications of pathogenicity. Review status: criteria provided, conflicting classifications (1 of 4 stars). 2 submissions from 2 submitters: Uncertain significance (1); Likely benign (1). Last evaluated 2023-03-23.

Conditions:
Hereditary cancer-predisposing syndrome. Also called: Neoplastic Syndromes, Hereditary; Hereditary Cancer Syndrome; Hereditary neoplastic syndrome; Tumor predisposition. Identifiers: Orphanet 140162, MedGen C0027672, MeSH D009386, MONDO:0015356.

Submissions (2):

University of Washington Department of Laboratory Medicine, University of Washington
Classification: Likely benign for Hereditary cancer-predisposing syndrome. Last evaluated: 2023-03-23. Review status: criteria provided, single submitter. Criteria: Dines et al. (Genet Med. 2020). Collection method: curation. Allele origin: germline.
Comment: Missense variant in a coldspot region where missense variants are very unlikely to be pathogenic (PMID:31911673).

BRCA2 exon 11 coldspot. Reclassification based on statistical prior probability.

Women's Health and Genetics/Laboratory Corporation of America, LabCorp
Classification: Uncertain significance. Last evaluated: 2020-06-09. Review status: criteria provided, single submitter. Criteria: LabCorp Variant Classification Summary - May 2015. Collection method: clinical testing. Allele origin: germline.
Comment: Variant summary: BRCA2 c.2345T>G (p.Leu782Arg) results in a non-conservative amino acid change in the encoded protein sequence. Three of five in-silico tools predict a benign effect of the variant on protein function. The variant was absent in 250856 control chromosomes. The available data on variant occurrences in the general population are insufficient to allow any conclusion about variant significance. To our knowledge, no occurrence of c.2345T>G in individuals affected with Hereditary Breast And Ovarian Cancer Syndrome and no experimental evidence demonstrating its impact on protein function have been reported. No clinical diagnostic laboratories have submitted clinical-significance assessments for this variant to ClinVar after 2014. Based on the evidence outlined above, the variant was classified as uncertain significance.

NM_000059.4(BRCA2):c.2345T>G (p.Leu782Arg)

Gene: BRCA2 (BRCA2 DNA repair associated; plus strand). Cytogenetic location: 13q13.1.
Variant type: single nucleotide variant.
Coding change: c.2345T>G on transcript NM_000059.4 (MANE Select); coding-DNA position 2345, T replaced by G.
Protein change: p.Leu782Arg; replaces leucine 782 with arginine.
Molecular consequence: missense variant.
Genome position (GRCh38, 1-based): chr13:32,336,700, T>G. VCF-style: chr13-32336700-T-G. GRCh37 (hg19) VCF-style: chr13-32910837-T-G.
Other names: short protein forms L782R.
Identifiers: ClinVar variation 933151 (VCV000933151.3), dbSNP rs876661019, ClinGen allele CA387771613.
Genomic context (GRCh38, chr13:32,336,700, plus strand): 5'-ATCATGAAAATGCCAGCACTCTTATTTTAACTCCTACTTCCAAGGATGTTCTGTCAAACC[T>G]AGTCATGATTTCTAGAGGCAAAGAATCATACAAAATGTCAGACAAGCTCAAAGGTAACAA-3'
Protein context (NP_000050.3, residues 772-792): TPTSKDVLSN[Leu782Arg]VMISRGKESY